The following is an entry in ClinVar:

ClinVar aggregate classification (germline): Uncertain significance (1 of 4 stars; one submission).

Allele frequency attached by ClinVar (database versions not stated): gnomAD exomes below 0.00001; ExAC 0.00001; TOPMed 0.00001.
gnomAD v4.1: 6 of 1,612,134 alleles (0.00037%); highest among the groups gnomAD compares: Admixed American, 0.005%; no homozygotes.

Submission:

Labcorp Genetics (formerly Invitae), Labcorp
Classification: Uncertain significance. Last evaluated: 2026-01-26. Review status: criteria provided, single submitter. Criteria: Invitae Variant Classification Sherloc (09022015). Collection method: clinical testing. Allele origin: germline.
Comment: This sequence change falls in intron 1 of the PTDSS1 gene. It does not directly change the encoded amino acid sequence of the PTDSS1 protein. It affects a nucleotide within the consensus splice site. This variant is present in population databases (rs774975715, gnomAD 0.003%). This variant has not been reported in the literature in individuals affected with PTDSS1-related conditions. ClinVar contains an entry for this variant (Variation ID: 1512032). Variants that disrupt the consensus splice site are a relatively common cause of aberrant splicing (PMID: 17576681, 9536098). Algorithms developed to predict the effect of sequence changes on RNA splicing suggest that this variant is not likely to affect RNA splicing. In summary, the available evidence is currently insufficient to determine the role of this variant in disease. Therefore, it has been classified as a Variant of Uncertain Significance.

Literature cited by the submitters: PubMed 17576681; PubMed 9536098.

NM_014754.3(PTDSS1):c.179+5G>A

Gene: PTDSS1 (phosphatidylserine synthase 1; plus strand). Cytogenetic location: 8q22.1.
Variant type: single nucleotide variant.
Coding change: c.179+5G>A on transcript NM_014754.3 (MANE Select); 5 bases into the intron after coding-DNA position 179, G replaced by A.
Molecular consequence: intron variant.
Genome position (GRCh38, 1-based): chr8:96,262,224, G>A. VCF-style: chr8-96262224-G-A. GRCh37 (hg19) VCF-style: chr8-97274452-G-A.
Other names: c.-90+5G>A (NM_001290225.2).
Identifiers: ClinVar variation 1512032 (VCV001512032.6), dbSNP rs774975715, ClinGen allele CA4816482.